The following is an entry in ClinVar:

NM_182914.3(SYNE2):c.15645A>G (p.Ile5215Met)

Gene: SYNE2 (spectrin repeat containing nuclear envelope protein 2; plus strand). Cytogenetic location: 14q23.2.
Variant type: single nucleotide variant.
Coding change: c.15645A>G on transcript NM_182914.3 (MANE Select); coding-DNA position 15645, A replaced by G.
Protein change: p.Ile5215Met; replaces isoleucine 5215 with methionine.
Molecular consequence: missense variant.
Genome position (GRCh38, 1-based): chr14:64,152,569, A>G. VCF-style: chr14-64152569-A-G. GRCh37 (hg19) VCF-style: chr14-64619287-A-G.
Other names: c.15645A>G, p.Ile5215Met (NM_015180.6); short protein forms I5215M.
Identifiers: ClinVar variation 1403758 (VCV001403758.6), dbSNP rs2153704568, ClinGen allele CA389950978.

ClinVar aggregate classification (germline): Uncertain significance (1 of 4 stars; one submission).

Conditions:
Emery-Dreifuss muscular dystrophy 5, autosomal dominant (EDMD5). Also called: EMERY-DREIFUSS MUSCULAR DYSTROPHY 5. Identifiers: Orphanet 261, MedGen C2751805, MONDO:0013072, OMIM 612999.

gnomAD v4.1: 1 of 1,614,058 alleles (0.000062%); no homozygotes.

Submission:

Labcorp Genetics (formerly Invitae), Labcorp
Classification: Uncertain significance for Emery-Dreifuss muscular dystrophy 5, autosomal dominant. Last evaluated: 2024-11-19. Review status: criteria provided, single submitter. Criteria: Invitae Variant Classification Sherloc (09022015). Collection method: clinical testing. Allele origin: germline.
Comment: This sequence change replaces isoleucine, which is neutral and non-polar, with methionine, which is neutral and non-polar, at codon 5215 of the SYNE2 protein (p.Ile5215Met). This variant is not present in population databases (gnomAD no frequency). This variant has not been reported in the literature in individuals affected with SYNE2-related conditions. ClinVar contains an entry for this variant (Variation ID: 1403758). An algorithm developed to predict the effect of missense changes on protein structure and function (PolyPhen-2) suggests that this variant is likely to be disruptive. In summary, the available evidence is currently insufficient to determine the role of this variant in disease. Therefore, it has been classified as a Variant of Uncertain Significance.